The following is an entry in ClinVar:

ClinVar aggregate classification (germline): Likely benign (1 of 4 stars; one submission).

Allele frequency attached by ClinVar (database versions not stated): ExAC 0.00003; gnomAD exomes 0.00003; gnomAD 0.00005.
gnomAD v4.1: 52 of 1,505,120 alleles (0.0035%); highest among the groups gnomAD compares: African/African-American, 0.012%; no homozygotes.

Submission:

CeGaT Center for Human Genetics Tuebingen
Classification: Likely benign. Last evaluated: 2025-08-01. Review status: criteria provided, single submitter. Criteria: CeGaT Center For Human Genetics Tuebingen Variant Classification Criteria Version 2. Collection method: clinical testing. Allele origin: germline. Affected: yes. Observed: 2 variant alleles.
Comment: TBP: BP4, BP7

NM_003194.5(TBP):c.243G>A (p.Gln81=)

Genes: TBP (TATA-box binding protein; plus strand), LOC108663996 (TATA-box binding protein repeat instability region; plus strand). Cytogenetic location: 6q27.
Variant type: single nucleotide variant.
Coding change: c.243G>A on transcript NM_003194.5 (MANE Select); coding-DNA position 243, G replaced by A.
Protein change: p.Gln81=; no amino-acid change (glutamine 81 retained).
Molecular consequence: synonymous variant.
Genome position (GRCh38, 1-based): chr6:170,561,979, G>A. VCF-style: chr6-170561979-G-A. GRCh37 (hg19) VCF-style: chr6-170871067-G-A.
Other names: c.183G>A, p.Gln61= (NM_001172085.2).
Identifiers: ClinVar variation 2673091 (VCV002673091.23), dbSNP rs779471026, ClinGen allele CA4108323.